The following is an entry in ClinVar:

NM_001035.3(RYR2):c.3638G>C (p.Gly1213Ala)

Gene: RYR2 (ryanodine receptor 2; plus strand). Cytogenetic location: 1q43.
Variant type: single nucleotide variant.
Coding change: c.3638G>C on transcript NM_001035.3 (MANE Select); coding-DNA position 3638, G replaced by C.
Protein change: p.Gly1213Ala; replaces glycine 1213 with alanine.
Molecular consequence: missense variant.
Genome position (GRCh38, 1-based): chr1:237,589,832, G>C. VCF-style: chr1-237589832-G-C. GRCh37 (hg19) VCF-style: chr1-237753132-G-C.
Other names: c.3638G>C (NM_001035.2); short protein forms G1213A.
Identifiers: ClinVar variation 1171390 (VCV001171390.14), dbSNP rs766838912, ClinGen allele CA086429.

ClinVar aggregate classification (germline): Uncertain significance. Review status: criteria provided, multiple submitters, no conflicts (2 of 4 stars). 4 submissions from 4 submitters: Uncertain significance (4). Last evaluated 2024-10-12.

Conditions:
Cardiomyopathy (CMYO). Also called: Cardiomyopathies. Identifiers: Orphanet 167848, MedGen C0878544, MONDO:0004994, HP:0001638. Inheritance: Various modes of inheritance.
Catecholaminergic polymorphic ventricular tachycardia (CVPT). Also called: Catecholamine-induced polymorphic ventricular tachycardia. Identifiers: Orphanet 3286, MedGen C5574922, MONDO:0017990.
Catecholaminergic polymorphic ventricular tachycardia 1. Also called: VENTRICULAR TACHYCARDIA, STRESS-INDUCED POLYMORPHIC 1; VENTRICULAR TACHYCARDIA, CATECHOLAMINERGIC POLYMORPHIC, 1, WITH OR WITHOUT ATRIAL DYSFUNCTION AND/OR DILATED CARDIOMYOPATHY; RYR2-Related Catecholaminergic Polymorphic Ventricular Tachycardia. Identifiers: Orphanet 3286, MedGen C1631597, MONDO:0011484, OMIM 604772.

Allele frequency attached by ClinVar (database versions not stated): gnomAD exomes below 0.00001; ExAC 0.00001; gnomAD 0.00001.
gnomAD v4.1: 6 of 1,613,670 alleles (0.00037%); highest among the groups gnomAD compares: Non-Finnish European, 0.00051%; no homozygotes.

Submissions (4):

Labcorp Genetics (formerly Invitae), Labcorp
Classification: Uncertain significance for Catecholaminergic polymorphic ventricular tachycardia 1. Last evaluated: 2024-10-12. Review status: criteria provided, single submitter. Criteria: Invitae Variant Classification Sherloc (09022015). Collection method: clinical testing. Allele origin: germline.
Comment: This sequence change replaces glycine, which is neutral and non-polar, with alanine, which is neutral and non-polar, at codon 1213 of the RYR2 protein (p.Gly1213Ala). This variant is present in population databases (rs766838912, gnomAD 0.002%). This variant has not been reported in the literature in individuals affected with RYR2-related conditions. ClinVar contains an entry for this variant (Variation ID: 1171390). Invitae Evidence Modeling of protein sequence and biophysical properties (such as structural, functional, and spatial information, amino acid conservation, physicochemical variation, residue mobility, and thermodynamic stability) indicates that this missense variant is not expected to disrupt RYR2 protein function with a negative predictive value of 95%. In summary, the available evidence is currently insufficient to determine the role of this variant in disease. Therefore, it has been classified as a Variant of Uncertain Significance.

GeneDx
Classification: Uncertain significance. Last evaluated: 2024-09-04. Review status: criteria provided, single submitter. Criteria: GeneDx Variant Classification Process June 2021. Collection method: clinical testing. Allele origin: germline. Affected: yes.
Comment: Not observed at significant frequency in large population cohorts (gnomAD); In silico analysis supports that this missense variant has a deleterious effect on protein structure/function; Has not been previously published as pathogenic or benign to our knowledge; Not located in one of the three hot-spot regions of the RYR2 gene, where the majority of pathogenic missense variants occur (PMID: 19926015); This variant is associated with the following publications: (PMID: 19926015)

All of Us Research Program, National Institutes of Health
Classification: Uncertain significance for Catecholaminergic polymorphic ventricular tachycardia. Last evaluated: 2024-06-11. Review status: criteria provided, single submitter. Criteria: ACMG Guidelines, 2015. Collection method: clinical testing. Allele origin: germline. Inheritance: Autosomal dominant inheritance. Observed: 2 variant alleles, 2 heterozygotes.
Comment: This missense variant replaces glycine with alanine at codon 1213 of the RYR2 protein. Computational prediction suggests that this variant may not impact protein structure and function (internally defined REVEL score threshold <= 0.5, PMID: 27666373). To our knowledge, functional studies have not been reported for this variant. This variant has not been reported in individuals affected with cardiovascular disorders in the literature. This variant has been identified in 1/249032 chromosomes in the general population by the Genome Aggregation Database (gnomAD). The available evidence is insufficient to determine the role of this variant in disease conclusively. Therefore, this variant is classified as a Variant of Uncertain Significance.

This study involves interpretation of variants in research participants for the purpose of population health screening. Participant phenotype was not available at the time of variant classification. Additional details can be found in publication PMID: 35346344, PMCID: PMC8962531

Color Diagnostics, LLC DBA Color Health
Classification: Uncertain significance for Cardiomyopathy. Last evaluated: 2024-03-06. Review status: criteria provided, single submitter. Criteria: ACMG Guidelines, 2015. Collection method: clinical testing. Allele origin: germline.
Comment: This missense variant replaces glycine with alanine at codon 1213 of the RYR2 protein. Computational prediction suggests that this variant may not impact protein structure and function (internally defined REVEL score threshold <= 0.5, PMID: 27666373). To our knowledge, functional studies have not been reported for this variant. This variant has not been reported in individuals affected with cardiovascular disorders in the literature. This variant has been identified in 1/249032 chromosomes in the general population by the Genome Aggregation Database (gnomAD). The available evidence is insufficient to determine the role of this variant in disease conclusively. Therefore, this variant is classified as a Variant of Uncertain Significance.